The following is an entry in ClinVar:

ClinVar aggregate classification (germline): Conflicting classifications of pathogenicity. Review status: criteria provided, conflicting classifications (1 of 4 stars). 5 submissions from 5 submitters: Pathogenic (1); Likely pathogenic (2); Uncertain significance (2). Last evaluated 2025-10-22.

Conditions:
RYR1-related disorder. Also called: RYR1-related condition; RYR1-related disorders. Identifiers: MedGen CN239331.
Malignant hyperthermia, susceptibility to, 1 (MHS1). Also called: Anesthesia related hyperthermia; Malignant hyperpyrexia; Fulminating hyperpyrexia; Pharmacogenic myopathy; Malignant hyperthermia suceptibility 1; RYR1-Related Malignant Hyperthermia Susceptibility. Identifiers: Orphanet 423, MedGen C2930980, MONDO:0007783, OMIM 145600.
Congenital multicore myopathy with external ophthalmoplegia (CMYO1B). Also called: MULTICORE MYOPATHY; Minicore myopathy with external ophthalmoplegia; Congenital myopathy 1B, autosomal recessive; Minicore myopathy; MULTIMINICORE DISEASE WITH EXTERNAL OPHTHALMOPLEGIA. Identifiers: Orphanet 598, Orphanet 98905, MedGen C1850674, MONDO:0009712, OMIM 255320, HP:0003789.

Allele frequency attached by ClinVar (database versions not stated): gnomAD 0.00001; TOPMed 0.00001.
gnomAD v4.1: 2 of 1,612,612 alleles (0.00012%); highest among the groups gnomAD compares: Admixed American, 0.0017%; no homozygotes.

Submissions (5):

Color Diagnostics, LLC DBA Color Health
Classification: Uncertain significance for Malignant hyperthermia, susceptibility to, 1. Last evaluated: 2025-10-22. Review status: criteria provided, single submitter. Criteria: ACMG Guidelines, 2015. Collection method: clinical testing. Allele origin: germline.
Comment: This missense variant replaces histidine with arginine at codon 283 of the RYR1 protein. Computational prediction suggests that this variant may have deleterious impact on protein structure and function. To our knowledge, functional studies have not been reported for this variant. This variant has been identified in 2/152144 chromosomes in the general population by the Genome Aggregation Database (gnomAD). This variant has not been reported in individuals affected with autosomal dominant malignant hyperthermia in the literature, although it is associated with other phenotype(s) (ClinVar variation ID: 2047729). Due to insufficient evidence, this variant is classified as a Variant of Uncertain Significance for autosomal dominant malignant hyperthermia.

GeneDx
Classification: Likely pathogenic. Last evaluated: 2025-03-13. Review status: criteria provided, single submitter. Criteria: GeneDx Variant Classification Process June 2021. Collection method: clinical testing. Allele origin: germline.
Comment: Not observed at significant frequency in large population cohorts (gnomAD); In silico analysis supports that this missense variant has a deleterious effect on protein structure/function; This variant is associated with the following publications: (PMID: 33767344, 29456480, 24091937, 39202332)

Labcorp Genetics (formerly Invitae), Labcorp
Classification: Pathogenic for RYR1-related disorder. Last evaluated: 2024-01-03. Review status: criteria provided, single submitter. Criteria: Invitae Variant Classification Sherloc (09022015). Collection method: clinical testing. Allele origin: germline.
Comment: This sequence change replaces histidine, which is basic and polar, with arginine, which is basic and polar, at codon 283 of the RYR1 protein (p.His283Arg). This variant is not present in population databases (gnomAD no frequency). This missense change has been observed in individual(s) with autosomal recessive RYR1-related conditions (PMID: 24091937). In at least one individual the data is consistent with being in trans (on the opposite chromosome) from a pathogenic variant. It has also been observed to segregate with disease in related individuals. ClinVar contains an entry for this variant (Variation ID: 2047729). Advanced modeling of protein sequence and biophysical properties (such as structural, functional, and spatial information, amino acid conservation, physicochemical variation, residue mobility, and thermodynamic stability) performed at Invitae indicates that this missense variant is expected to disrupt RYR1 protein function with a positive predictive value of 95%. For these reasons, this variant has been classified as Pathogenic.

All of Us Research Program, National Institutes of Health
Classification: Uncertain significance for Malignant hyperthermia, susceptibility to, 1. Last evaluated: 2023-12-01. Review status: criteria provided, single submitter. Criteria: ACMG Guidelines, 2015. Collection method: clinical testing. Allele origin: germline. Inheritance: Autosomal dominant inheritance. Observed: 1 variant allele, 1 heterozygote.
Comment: This study involves interpretation of variants in research participants for the purpose of population health screening. Participant phenotype was not available at the time of variant classification. Additional details can be found in publication PMID: 35346344, PMCID: PMC8962531

Clinical Genetics Service, Universitary Hospital 12 de Octubre
Classification: Likely pathogenic for Congenital multicore myopathy with external ophthalmoplegia. Review status: criteria provided, single submitter. Criteria: ACMG Guidelines, 2015. Collection method: clinical testing. Allele origin: paternal. Affected: yes.

Literature cited by the submitters: PubMed 24091937 (cited by Labcorp Genetics (formerly Invitae), Labcorp).

NM_000540.3(RYR1):c.848A>G (p.His283Arg)

Gene: RYR1 (ryanodine receptor 1; plus strand). Cytogenetic location: 19q13.2.
Variant type: single nucleotide variant.
Coding change: c.848A>G on transcript NM_000540.3 (MANE Select); coding-DNA position 848, A replaced by G.
Protein change: p.His283Arg; replaces histidine 283 with arginine.
Molecular consequence: missense variant.
Genome position (GRCh38, 1-based): chr19:38,448,402, A>G. VCF-style: chr19-38448402-A-G. GRCh37 (hg19) VCF-style: chr19-38939042-A-G.
Other names: c.848A>G, p.His283Arg (NM_001042723.2); short protein forms H283R.
Identifiers: ClinVar variation 2047729 (VCV002047729.9), dbSNP rs1966899604, ClinGen allele CA405681214.
Genomic context (GRCh38, chr19:38,448,402, plus strand): 5'-TCACCCTCCACAGCTGGAGTGGGAGCCACCTGCGCTGGGGCCAGCCACTCCGAGTCCGGC[A>G]TGTCACTACCGGGCAGTACCTAGCGCTCACCGAGGACCAGGGCCTGGTGGTGGTTGACGC-3'
Protein context (NP_000531.2, residues 273-293): LRWGQPLRVR[His283Arg]VTTGQYLALT